The following is an entry in ClinVar:

NM_023110.3(FGFR1):c.*1439T>C

Genes: FGFR1 (fibroblast growth factor receptor 1; minus strand), LOC102723716 (uncharacterized LOC102723716; minus strand). Cytogenetic location: 8p11.23.
Variant type: single nucleotide variant.
Coding change: c.*1439T>C on transcript NM_023110.3 (MANE Select); 1439 bases downstream of the stop codon, T replaced by C.
Molecular consequence: 3 prime UTR variant.
Genome position (GRCh38, 1-based): chr8:38,412,189, A>G on the plus strand (T>C on the coding strand, the complement: FGFR1 is on the minus strand). VCF-style: chr8-38412189-A-G. GRCh37 (hg19) VCF-style: chr8-38269707-A-G.
Other names: c.*1439T>C (NM_001174063.2, NM_001174064.2, NM_001174065.2 and 6 more transcripts); c.*200T>C (NM_001354367.2, NM_001354369.2, NM_001354370.2).
Identifiers: ClinVar variation 362868 (VCV000362868.5), dbSNP rs11990198, ClinGen allele CA10630955.

ClinVar aggregate classification (germline): Benign/Likely benign. Review status: criteria provided, single submitter (1 of 4 stars). 4 submissions from 1 submitter: Benign (3); Likely benign (1). Last evaluated 2018-01-13.

Conditions:
Osteoglophonic dysplasia (OGD). Also called: Osteoglophonic dwarfism. Identifiers: Orphanet 2645, MedGen C0432283, MONDO:0008150, OMIM 166250.
Hypogonadotropic hypogonadism 2 with or without anosmia (HH2). Also called: HYPOGONADOTROPIC HYPOGONADISM 2 WITH OR WITHOUT ANOSMIA, SUSCEPTIBILITY TO; HYPOGONADOTROPIC HYPOGONADISM 2 WITHOUT ANOSMIA, SUSCEPTIBILITY TO; FGFR1-Related GnRH Deficiency (Kallmann Syndrome 2); HYPOGONADOTROPIC HYPOGONADISM 2 WITHOUT ANOSMIA. Identifiers: Orphanet 478, MedGen C1563720, MONDO:0007844, OMIM 147950. Disease mechanism: loss of function.
Trigonocephaly 1 (TRIGNO1). Identifiers: Orphanet 3366, MedGen C0432122, MONDO:0008603, OMIM 190440.
Craniosynostosis syndrome. Also called: Craniosynostosis. Identifiers: Orphanet 1531, MedGen C0010278, MeSH D003398, MONDO:0015469, HP:0001363.

Allele frequency attached by ClinVar (database versions not stated): gnomAD exomes 0.00023; 1000 Genomes Project 0.00140; 1000 Genomes Project 30x 0.00156; gnomAD 0.00171 and 0.00186; TOPMed 0.00198.
gnomAD v4.1: 279 of 208,554 alleles (0.13%); highest among the groups gnomAD compares: African/African-American, 0.57%; 3 homozygotes.

Submissions (4):

Illumina Laboratory Services, Illumina
Classification: Benign for Trigonocephaly 1. Last evaluated: 2018-01-13. Review status: criteria provided, single submitter. Criteria: ICSL Variant Classification Criteria 13 December 2019. Collection method: clinical testing. Allele origin: germline.
Comment: This variant was observed in the ICSL laboratory as part of a predisposition screen in an ostensibly healthy population. It had not been previously curated by ICSL or reported in the Human Gene Mutation Database (HGMD: prior to June 1st, 2018), and was therefore a candidate for classification through an automated scoring system. Utilizing variant allele frequency, disease prevalence and penetrance estimates, and inheritance mode, an automated score was calculated to assess if this variant is too frequent to cause the disease. Based on the score and internal cut-off values, a variant classified as benign is not then subjected to further curation. The score for this variant resulted in a classification of benign for this disease.

Illumina Laboratory Services, Illumina
Classification: Likely benign for Hypogonadotropic hypogonadism 2 with or without anosmia. Last evaluated: 2018-01-13. Review status: criteria provided, single submitter. Criteria: ICSL Variant Classification Criteria 13 December 2019. Collection method: clinical testing. Allele origin: germline.
Comment: This variant was observed in the ICSL laboratory as part of a predisposition screen in an ostensibly healthy population. It had not been previously curated by ICSL or reported in the Human Gene Mutation Database (HGMD: prior to June 1st, 2018), and was therefore a candidate for classification through an automated scoring system. Utilizing variant allele frequency, disease prevalence and penetrance estimates, and inheritance mode, an automated score was calculated to assess if this variant is too frequent to cause the disease. Based on the score and internal cut-off values, a variant classified as likely benign is not then subjected to further curation. The score for this variant resulted in a classification of likely benign for this disease.

Illumina Laboratory Services, Illumina
Classification: Benign for Craniosynostosis. Last evaluated: 2018-01-13. Review status: criteria provided, single submitter. Criteria: ICSL Variant Classification Criteria 13 December 2019. Collection method: clinical testing. Allele origin: germline.
Comment: the same text as in the submission from Illumina Laboratory Services, Illumina above.

Illumina Laboratory Services, Illumina
Classification: Benign for Osteoglophonic dysplasia. Last evaluated: 2018-01-13. Review status: criteria provided, single submitter. Criteria: ICSL Variant Classification Criteria 13 December 2019. Collection method: clinical testing. Allele origin: germline.
Comment: the same text as in the submission from Illumina Laboratory Services, Illumina above.